The following is an entry in ClinVar:

NM_001854.4(COL11A1):c.4493G>A (p.Gly1498Asp)

Gene: COL11A1 (collagen type XI alpha 1 chain; minus strand). Cytogenetic location: 1p21.1.
Variant type: single nucleotide variant.
Coding change: c.4493G>A on transcript NM_001854.4 (MANE Select); coding-DNA position 4493, G replaced by A.
Protein change: p.Gly1498Asp; replaces glycine 1498 with aspartic acid.
Molecular consequence: missense variant. On other transcripts: non-coding transcript variant (1).
Genome position (GRCh38, 1-based): chr1:102,888,891, C>T on the plus strand (G>A on the coding strand, the complement: COL11A1 is on the minus strand). VCF-style: chr1-102888891-C-T. GRCh37 (hg19) VCF-style: chr1-103354447-C-T.
Other names: c.4529G>A, p.Gly1510Asp (NM_080629.3); c.4145G>A, p.Gly1382Asp (NM_080630.4, NM_001168249.1); c.4376G>A, p.Gly1459Asp (NM_001190709.2); short protein forms G1459D, G1382D, G1498D, G1510D.
Identifiers: ClinVar variation 2745916 (VCV002745916.3), dbSNP rs2524247927, ClinGen allele CA341212511.

ClinVar aggregate classification (germline): Uncertain significance (1 of 4 stars; one submission).

Submission:

Labcorp Genetics (formerly Invitae), Labcorp
Classification: Uncertain significance. Last evaluated: 2023-08-15. Review status: criteria provided, single submitter. Criteria: Invitae Variant Classification Sherloc (09022015). Collection method: clinical testing. Allele origin: germline.
Comment: In summary, the available evidence is currently insufficient to determine the role of this variant in disease. Therefore, it has been classified as a Variant of Uncertain Significance. Advanced modeling of protein sequence and biophysical properties (such as structural, functional, and spatial information, amino acid conservation, physicochemical variation, residue mobility, and thermodynamic stability) has been performed at Invitae for this missense variant, however the output from this modeling did not meet the statistical confidence thresholds required to predict the impact of this variant on COL11A1 protein function. This variant has not been reported in the literature in individuals affected with COL11A1-related conditions. This variant is not present in population databases (gnomAD no frequency). This sequence change replaces glycine, which is neutral and non-polar, with aspartic acid, which is acidic and polar, at codon 1498 of the COL11A1 protein (p.Gly1498Asp).